The following is an entry in ClinVar:

ClinVar aggregate classification (germline): Likely benign. Review status: criteria provided, single submitter (1 of 4 stars). 2 submissions from 2 submitters: Likely benign (1). 1 of the submissions does not count toward it. Last evaluated 2020-10-20.

Conditions:
RBFOX1-related disorder. Also called: RBFOX1-related condition.
Idiopathic generalized epilepsy. Also called: EIG; Generalised epilepsy. Identifiers: MedGen C0270850, MONDO:0005579, OMIM 600669.

Allele frequency attached by ClinVar (database versions not stated): gnomAD exomes below 0.00001 and 0.00001; TOPMed 0.00001; ExAC 0.00001.
gnomAD v4.1: 13 of 1,613,634 alleles (0.00081%); highest among the groups gnomAD compares: Non-Finnish European, 0.00093%; no homozygotes.

Submissions (2):

Labcorp Genetics (formerly Invitae), Labcorp
Classification: Likely benign for Idiopathic generalized epilepsy. Last evaluated: 2020-10-20. Review status: criteria provided, single submitter. Criteria: Invitae Variant Classification Sherloc (09022015). Collection method: clinical testing. Allele origin: germline.

PreventionGenetics, part of Exact Sciences
Classification: Likely benign for RBFOX1-related condition. Last evaluated: 2019-07-16. Review status: no assertion criteria provided. Collection method: clinical testing. Allele origin: germline. Not counted in ClinVar's aggregate classification.
Comment: This variant is classified as likely benign based on ACMG/AMP sequence variant interpretation guidelines (Richards et al. 2015 PMID: 25741868, with internal and published modifications).

NM_018723.4(RBFOX1):c.201T>A (p.Pro67=)

Gene: RBFOX1 (RNA binding fox-1 homolog 1; plus strand). Cytogenetic location: 16p13.3.
Variant type: single nucleotide variant.
Coding change: c.201T>A on transcript NM_018723.4 (MANE Select); coding-DNA position 201, T replaced by A.
Protein change: p.Pro67=; no amino-acid change (proline 67 retained).
Molecular consequence: synonymous variant.
Genome position (GRCh38, 1-based): chr16:7,518,320, T>A. VCF-style: chr16-7518320-T-A. GRCh37 (hg19) VCF-style: chr16-7568322-T-A.
Other names: c.201T>A, p.Pro67= (NM_001142333.2, NM_001142334.2, NM_001364800.2); c.330T>A, p.Pro110= (NM_001308117.1); c.261T>A, p.Pro87= (NM_145891.3, NM_145892.3, NM_145893.3).
Identifiers: ClinVar variation 699511 (VCV000699511.13), dbSNP rs757485949, ClinGen allele CA7891357.